The following is an entry in ClinVar:

NM_005982.4(SIX1):c.531_532del (p.Asp179fs)

Genes: MIR9718 (microRNA 9718; plus strand), SIX1 (SIX homeobox 1; minus strand). Cytogenetic location: 14q23.1.
Variant type: Deletion.
Coding change: c.531_532del on transcript NM_005982.4 (MANE Select); coding-DNA positions 531 to 532, 2 bases deleted (AA; older notation c.531_532delAA).
Protein change: p.Asp179fs; shifts the reading frame from aspartic acid 179.
Molecular consequence: frameshift variant. On other transcripts: non-coding transcript variant (1).
Genome position (GRCh38, 1-based): chr14:60,648,658-60,648,659, TT deleted on the plus strand (AA on the coding strand, the reverse complement: SIX1 is on the minus strand); deleting any 2 consecutive bases within chr14:60,648,658-60,648,660 gives the same sequence; the c. name uses the placement nearest the transcript's 3' end. VCF-style (leftmost placement, unchanged base first): chr14-60648657-CTT-C. GRCh37 (hg19) VCF-style: chr14-61115375-CTT-C.
Other names: short protein forms D179fs.
Identifiers: ClinVar variation 1306414 (VCV001306414.2), dbSNP rs2140240978, ClinGen allele CA2573053922.

ClinVar aggregate classification (germline): Uncertain significance (1 of 4 stars; one submission).

Submission:

GeneDx
Classification: Uncertain significance. Last evaluated: 2019-06-12. Review status: criteria provided, single submitter. Criteria: GeneDx Variant Classification Process June 2021. Collection method: clinical testing. Allele origin: germline. Affected: yes.
Comment: Frameshift variant predicted to result in protein truncation as the last 106 amino acids are lost and replaced with 14 incorrect amino acids, although loss-of-function variants have not been reported downstream of this position in the protein; Not observed in large population cohorts (Lek et al., 2016); Has not been previously published as pathogenic or benign to our knowledge